The following is an entry in ClinVar:

NM_000038.6(APC):c.1409-3T>G

Gene: APC (APC regulator of Wnt signaling pathway; plus strand). Cytogenetic location: 5q22.2.
Variant type: single nucleotide variant.
Coding change: c.1409-3T>G on transcript NM_000038.6 (MANE Select); 3 bases into the intron before coding-DNA position 1409, T replaced by G.
Molecular consequence: intron variant.
Genome position (GRCh38, 1-based): chr5:112,827,105, T>G. VCF-style: chr5-112827105-T-G. GRCh37 (hg19) VCF-style: chr5-112162802-T-G.
Other names: c.1409-3T>G (NM_001354895.2, NM_001127510.3); c.1439-3T>G (NM_001354897.2); c.1136-3T>G (NM_001354902.2); c.1355-3T>G (NM_001127511.3); c.1334-3T>G (NM_001354898.2); c.1031-3T>G (NM_001354904.2); c.560-3T>G (NM_001354906.2); c.1463-3T>G (NM_001354896.2); and 5 more.
Identifiers: ClinVar variation 485146 (VCV000485146.9), dbSNP rs1554081629, ClinGen allele CA658655932.

ClinVar aggregate classification (germline): Likely pathogenic. Review status: reviewed by expert panel (3 of 4 stars). 4 submissions from 4 submitters: Likely pathogenic (1). 3 of the submissions do not count toward it. Last evaluated 2025-05-16.

Conditions:
Familial adenomatous polyposis 1 (FAP1). Also called: FAMILIAL ADENOMATOUS POLYPOSIS 1, ATTENUATED; POLYPOSIS, ADENOMATOUS INTESTINAL. Identifiers: MedGen C2713442, MONDO:0021056, OMIM 175100. Disease mechanism: loss of function.
Hereditary cancer-predisposing syndrome. Also called: Neoplastic Syndromes, Hereditary; Tumor predisposition; Hereditary Cancer Syndrome; Hereditary neoplastic syndrome. Identifiers: Orphanet 140162, MedGen C0027672, MeSH D009386, MONDO:0015356.

Submissions (4):

ClinGen InSiGHT Hereditary Colorectal Cancer/Polyposis Variant Curation Expert Panel
Classification: Likely pathogenic for Familial adenomatous polyposis 1. Last evaluated: 2025-05-16. Review status: reviewed by expert panel. Criteria: ClinGen InSiGHT HCCP VCEP ACMG Specifications APC V1. Collection method: curation. Allele origin: germline. Inheritance: Autosomal dominant inheritance.
Comment: The NM_000038.6(APC):c.1409-3T>G variant in APC is an intronic variant which is located at the 3rd nucleotide upstream of exon 12. This variant has been reported in 4 probands meeting phenotypic criteria resulting in a total phenotype score of 2.0 points (PS4_Moderate, internal data Ambry Genetics and Labcorp Genetics [formerly Invitae], PMID: 20685668). This variant is absent from gnomAD v2.1.1 (PM2_Supporting). The results from ≥ 2 in silico splicing predictors (SpliceAI and VarSeak) indicate that this variant may affect splicing by disrupting the acceptor site of intron 11 of APC and/or by creating a strong alternate acceptor (PP3). Mini-gene assay demonstrated that the variant impacts splicing by skipping of exon 12 resulting in a frameshift and premature termination (PS3_Moderate, PMID: 20685668). In summary, this variant meets the criteria to be classified as Likely Pathogenic for autosomal-dominant inherited FAP based on the ACMG/AMP criteria applied, as specified by the ClinGen InSiGHT Hereditary Colorectal Cancer/Polyposis Variant Curation Expert Panel: criteria PS3_Moderate, PS4_Moderate, PM2_Supporting and PP3 applied (VCEP specifications version 2.0.3; date of approval: 7/24/2023).

Labcorp Genetics (formerly Invitae), Labcorp
Classification: Likely pathogenic for Familial adenomatous polyposis 1. Last evaluated: 2024-11-20. Review status: criteria provided, single submitter. Criteria: Invitae Variant Classification Sherloc (09022015). Collection method: clinical testing. Allele origin: germline. Not counted in ClinVar's aggregate classification.
Comment: This sequence change falls in intron 11 of the APC gene. It does not directly change the encoded amino acid sequence of the APC protein. It affects a nucleotide within the consensus splice site. This variant is not present in population databases (gnomAD no frequency). This variant has been observed in individuals with clinical features of familial adenomatous polyposis (external communication, internal data). ClinVar contains an entry for this variant (Variation ID: 485146). Variants that disrupt the consensus splice site are a relatively common cause of aberrant splicing (PMID: 17576681, 9536098). Studies have shown that this variant is associated with inconclusive levels of altered splicing (internal data). In summary, the currently available evidence indicates that the variant is pathogenic, but additional data are needed to prove that conclusively. Therefore, this variant has been classified as Likely Pathogenic.

Myriad Genetics, Inc.
Classification: Likely pathogenic for Familial adenomatous polyposis 1. Last evaluated: 2023-05-01. Review status: criteria provided, single submitter. Criteria: Myriad Autosomal Dominant, Autosomal Recessive and X-Linked Classification Criteria (2023). Collection method: clinical testing. Allele origin: unknown. Not counted in ClinVar's aggregate classification.
Comment: This variant is considered likely pathogenic. This variant occurs within a consensus splice junction and is predicted to result in abnormal mRNA splicing of either an out-of-frame exon or an in-frame exon necessary for protein stability and/or normal function.

Ambry Genetics
Classification: Likely pathogenic for Hereditary cancer-predisposing syndrome. Last evaluated: 2017-01-10. Review status: criteria provided, single submitter. Criteria: Ambry Variant Classification Scheme 2023. Collection method: clinical testing. Allele origin: germline. Not counted in ClinVar's aggregate classification.
Comment: The c.1409-3T>G intronic variant results from a T to G substitution 3 nucleotides upstream from coding exon 11 in the APC gene. This alteration was identified in 1/863 French patients with FAP and was reported to cause skipping of exon 11, leading to a frameshift mutation (coding exon 10) (Lagarde A et al. J. Med. Genet., 2010 Oct;47:721-2). This nucleotide position is well conserved in available vertebrate species. Using two different splice site prediction tools, this alteration is predicted by BDGP to abolish the native splice acceptor site, and is predicted to weaken (but not abolish) the efficiency of the native splice acceptor site by ESEfinder; however, direct evidence is unavailable. Based on the majority of available evidence to date, this variant is likely to be pathogenic.

Literature cited by the submitters: PubMed 20685668 (cited by ClinGen InSiGHT Hereditary Colorectal Cancer/Polyposis Variant Curation Expert Panel and Ambry Genetics); PubMed 17576681 (cited by Labcorp Genetics (formerly Invitae), Labcorp); PubMed 9536098 (cited by Labcorp Genetics (formerly Invitae), Labcorp).